The following is an entry in ClinVar:

ClinVar aggregate classification (germline): Uncertain significance (1 of 4 stars; one submission).

Conditions:
Idiopathic generalized epilepsy. Also called: EIG; Generalised epilepsy. Identifiers: MedGen C0270850, MONDO:0005579, OMIM 600669.

Submission:

Labcorp Genetics (formerly Invitae), Labcorp
Classification: Uncertain significance for Idiopathic generalized epilepsy. Last evaluated: 2025-12-01. Review status: criteria provided, single submitter. Criteria: Invitae Variant Classification Sherloc (09022015). Collection method: clinical testing. Allele origin: germline.
Comment: This sequence change replaces arginine, which is basic and polar, with proline, which is neutral and non-polar, at codon 416 of the GABRD protein (p.Arg416Pro). This variant is not present in population databases (gnomAD no frequency). This variant has not been reported in the literature in individuals affected with GABRD-related conditions. ClinVar contains an entry for this variant (Variation ID: 1357110). An algorithm developed to predict the effect of missense changes on protein structure and function (PolyPhen-2) suggests that this variant is likely to be disruptive. In summary, the available evidence is currently insufficient to determine the role of this variant in disease. Therefore, it has been classified as a Variant of Uncertain Significance.

NM_000815.5(GABRD):c.1247G>C (p.Arg416Pro)

Gene: GABRD (gamma-aminobutyric acid type A receptor subunit delta; plus strand). Cytogenetic location: 1p36.33.
Variant type: single nucleotide variant.
Coding change: c.1247G>C on transcript NM_000815.5 (MANE Select); coding-DNA position 1247, G replaced by C.
Protein change: p.Arg416Pro; replaces arginine 416 with proline.
Molecular consequence: missense variant.
Genome position (GRCh38, 1-based): chr1:2,030,170, G>C. VCF-style: chr1-2030170-G-C. GRCh37 (hg19) VCF-style: chr1-1961609-G-C.
Other names: short protein forms R416P.
Identifiers: ClinVar variation 1357110 (VCV001357110.8), dbSNP rs1011029441, ClinGen allele CA337960894.
Genomic context (GRCh38, chr1:2,030,170, plus strand): 5'-TGGAGACAGGGGAGACGAAGAAGGAGGGGGCAGCCCGCTCAGGAGGCCAGGGGGGCATCC[G>C]TGCCCGGCTCAGGCCCATCGACGCAGACACCATTGACATTTACGCCCGCGCTGTGTTCCC-3'
Protein context (NP_000806.2, residues 406-426): AARSGGQGGI[Arg416Pro]ARLRPIDADT